The following is an entry in ClinVar:

ClinVar aggregate classification (germline): Likely benign (1 of 4 stars; one submission).

Allele frequency attached by ClinVar (database versions not stated): TOPMed 0.00007; ESP Exome Variant Server 0.00008; gnomAD 0.00015; 1000 Genomes Project 0.00020; 1000 Genomes Project 30x 0.00031; gnomAD exomes 0.00036; ExAC 0.00068.
gnomAD v4.1: 536 of 1,612,998 alleles (0.033%); highest among the groups gnomAD compares: South Asian, 0.51%; 7 homozygotes.

Submission:

CeGaT Center for Human Genetics Tuebingen
Classification: Likely benign. Last evaluated: 2024-05-01. Review status: criteria provided, single submitter. Criteria: CeGaT Center For Human Genetics Tuebingen Variant Classification Criteria Version 2. Collection method: clinical testing. Allele origin: germline. Affected: yes. Observed: 1 variant allele.
Comment: MN1: BP4, BP7, BS1

NM_002430.3(MN1):c.3873C>T (p.Asp1291=)

Gene: MN1 (MN1 proto-oncogene, transcriptional regulator; minus strand). Cytogenetic location: 22q12.1.
Variant type: single nucleotide variant.
Coding change: c.3873C>T on transcript NM_002430.3 (MANE Select); coding-DNA position 3873, C replaced by T.
Protein change: p.Asp1291=; no amino-acid change (aspartic acid 1291 retained).
Molecular consequence: synonymous variant.
Genome position (GRCh38, 1-based): chr22:27,751,005, G>A on the plus strand (C>T on the coding strand, the complement: MN1 is on the minus strand). VCF-style: chr22-27751005-G-A. GRCh37 (hg19) VCF-style: chr22-28146993-G-A.
Identifiers: ClinVar variation 3239061 (VCV003239061.19), dbSNP rs375104212.